The following is an entry in ClinVar:

ClinVar aggregate classification (germline): Uncertain significance (1 of 4 stars; one submission).

Conditions:
Familial thoracic aortic aneurysm and aortic dissection (TAAD). Also called: Thoracic aortic aneurysms and dissections. Identifiers: Orphanet 91387, MedGen C4707243, MONDO:0019625.

Submission:

Ambry Genetics
Classification: Uncertain significance for Familial thoracic aortic aneurysm and aortic dissection. Last evaluated: 2025-06-28. Review status: criteria provided, single submitter. Criteria: Ambry Variant Classification Scheme 2023. Collection method: clinical testing. Allele origin: germline.
Comment: The p.F1516S variant (also known as c.4547T>C), located in coding exon 25 of the NOTCH1 gene, results from a T to C substitution at nucleotide position 4547. The phenylalanine at codon 1516 is replaced by serine, an amino acid with highly dissimilar properties. This amino acid position is conserved. In addition, the in silico prediction for this alteration is inconclusive. Based on the available evidence, the clinical significance of this variant remains unclear.

NM_017617.5(NOTCH1):c.4547T>C (p.Phe1516Ser)

Gene: NOTCH1 (notch receptor 1; minus strand). Cytogenetic location: 9q34.3.
Variant type: single nucleotide variant.
Coding change: c.4547T>C on transcript NM_017617.5 (MANE Select); coding-DNA position 4547, T replaced by C.
Protein change: p.Phe1516Ser; replaces phenylalanine 1516 with serine.
Molecular consequence: missense variant.
Genome position (GRCh38, 1-based): chr9:136,505,349, A>G on the plus strand (T>C on the coding strand, the complement: NOTCH1 is on the minus strand). VCF-style: chr9-136505349-A-G. GRCh37 (hg19) VCF-style: chr9-139399801-A-G.
Other names: short protein forms F1516S.
Identifiers: ClinVar variation 4121647 (VCV004121647.1).